The following is an entry in ClinVar:

NM_000138.5(FBN1):c.3875T>C (p.Leu1292Pro)

Gene: FBN1 (fibrillin 1; minus strand). Cytogenetic location: 15q21.1.
Variant type: single nucleotide variant.
Coding change: c.3875T>C on transcript NM_000138.5 (MANE Select); coding-DNA position 3875, T replaced by C.
Protein change: p.Leu1292Pro; replaces leucine 1292 with proline.
Molecular consequence: missense variant.
Genome position (GRCh38, 1-based): chr15:48,481,744, A>G on the plus strand (T>C on the coding strand, the complement: FBN1 is on the minus strand). VCF-style: chr15-48481744-A-G. GRCh37 (hg19) VCF-style: chr15-48773941-A-G.
Other names: short protein forms L1292P.
Identifiers: ClinVar variation 1436136 (VCV001436136.6), dbSNP rs2141287453, ClinGen allele CA392322452.
Genomic context (GRCh38, chr15:48,481,744, plus strand): 5'-GAGTAGCCCATATCACAGTGGCAGATAAATGAGCCTTTCGTGTTTTCACAGGTCCCACTT[A>G]GGCAGATATTTGGATTCAGGTCACACTCATTGACATCTGTAAAACATATATACTATTAAT-3'
Protein context (NP_000129.3, residues 1282-1302): NECDLNPNIC[Leu1292Pro]SGTCENTKGS

ClinVar aggregate classification (germline): Uncertain significance (1 of 4 stars; one submission).

Conditions:
Marfan syndrome (MFS). Also called: MARFAN SYNDROME, TYPE I; Marfan syndrome type 1; Marfan's syndrome; Marfan syndrome, classic; FBN1-Related Marfan Syndrome. Identifiers: Orphanet 284963, Orphanet 558, MedGen C0024796, MONDO:0007947, OMIM 154700.
Familial thoracic aortic aneurysm and aortic dissection (TAAD). Also called: Thoracic aortic aneurysms and dissections. Identifiers: Orphanet 91387, MedGen C4707243, MONDO:0019625.

Submission:

Labcorp Genetics (formerly Invitae), Labcorp
Classification: Uncertain significance for Marfan syndrome; Familial thoracic aortic aneurysm and aortic dissection. Last evaluated: 2021-09-11. Review status: criteria provided, single submitter. Criteria: Invitae Variant Classification Sherloc (09022015). Collection method: clinical testing. Allele origin: germline.
Comment: This sequence change replaces leucine with proline at codon 1292 of the FBN1 protein (p.Leu1292Pro). The leucine residue is highly conserved and there is a moderate physicochemical difference between leucine and proline. This variant is not present in population databases (ExAC no frequency). This variant has not been reported in the literature in individuals affected with FBN1-related conditions. Advanced modeling of protein sequence and biophysical properties (such as structural, functional, and spatial information, amino acid conservation, physicochemical variation, residue mobility, and thermodynamic stability) performed at Invitae indicates that this missense variant is expected to disrupt FBN1 protein function. In summary, the available evidence is currently insufficient to determine the role of this variant in disease. Therefore, it has been classified as a Variant of Uncertain Significance.